The following is an entry in ClinVar:

NM_001005373.4(LRSAM1):c.2036T>C (p.Leu679Pro)

Gene: LRSAM1 (leucine rich repeat and sterile alpha motif containing 1; plus strand). Cytogenetic location: 9q34.11.
Variant type: single nucleotide variant.
Coding change: c.2036T>C on transcript NM_001005373.4 (MANE Select); coding-DNA position 2036, T replaced by C.
Protein change: p.Leu679Pro; replaces leucine 679 with proline.
Molecular consequence: missense variant. On other transcripts: non-coding transcript variant (2).
Genome position (GRCh38, 1-based): chr9:127,501,133, T>C. VCF-style: chr9-127501133-T-C. GRCh37 (hg19) VCF-style: chr9-130263412-T-C.
Other names: c.2036T>C, p.Leu679Pro (NM_001005374.4, NM_001384142.1, NM_138361.5); c.1955T>C, p.Leu652Pro (NM_001190723.3); c.1937T>C, p.Leu646Pro (NM_001384143.1); c.1247T>C, p.Leu416Pro (NM_001384144.1); short protein forms L679P, L652P, L416P, L646P.
Identifiers: ClinVar variation 570210 (VCV000570210.9), dbSNP rs1564286814, ClinGen allele CA374938356.

ClinVar aggregate classification (germline): Uncertain significance. Review status: criteria provided, multiple submitters, no conflicts (2 of 4 stars). 2 submissions from 2 submitters: Uncertain significance (2). Last evaluated 2022-05-02.

Conditions:
Charcot-Marie-Tooth disease axonal type 2P. Also called: CHARCOT-MARIE-TOOTH DISEASE, AXONAL, TYPE 2G; CMT 2G; CHARCOT-MARIE-TOOTH NEUROPATHY, TYPE 2P; Charcot-Marie-Tooth Neuropathy Type 2G. Identifiers: Orphanet 300319, Orphanet 99941, MedGen C3280797, MONDO:0013753, OMIM 614436.

Submissions (2):

Fulgent Genetics
Classification: Uncertain significance for Charcot-Marie-Tooth disease axonal type 2P. Last evaluated: 2022-05-02. Review status: criteria provided, single submitter. Criteria: ACMG Guidelines, 2015. Collection method: clinical testing. Allele origin: unknown.

Labcorp Genetics (formerly Invitae), Labcorp
Classification: Uncertain significance for Charcot-Marie-Tooth disease axonal type 2P. Last evaluated: 2018-04-03. Review status: criteria provided, single submitter. Criteria: Invitae Variant Classification Sherloc (09022015). Collection method: clinical testing. Allele origin: germline.
Comment: In summary, the available evidence is currently insufficient to determine the role of this variant in disease. Therefore, it has been classified as a Variant of Uncertain Significance. Algorithms developed to predict the effect of missense changes on protein structure and function (SIFT, PolyPhen-2, Align-GVGD) all suggest that this variant is likely to be disruptive, but these predictions have not been confirmed by published functional studies and their clinical significance is uncertain. This variant has not been reported in the literature in individuals with LRSAM1-related disease. This variant is not present in population databases (ExAC no frequency). This sequence change replaces leucine with proline at codon 679 of the LRSAM1 protein (p.Leu679Pro). The leucine residue is moderately conserved and there is a moderate physicochemical difference between leucine and proline.